The following is an entry in ClinVar:

ClinVar aggregate classification (germline): Uncertain significance (1 of 4 stars; one submission).

gnomAD v4.1: 1 of 1,612,548 alleles (0.000062%); highest among the groups gnomAD compares: African/African-American, 0.0013%; no homozygotes.

Submission:

Labcorp Genetics (formerly Invitae), Labcorp
Classification: Uncertain significance. Last evaluated: 2024-07-31. Review status: criteria provided, single submitter. Criteria: Invitae Variant Classification Sherloc (09022015). Collection method: clinical testing. Allele origin: germline.
Comment: This sequence change replaces leucine, which is neutral and non-polar, with arginine, which is basic and polar, at codon 191 of the MME protein (p.Leu191Arg). This variant is present in population databases (rs575160886, gnomAD 0.007%). This variant has not been reported in the literature in individuals affected with MME-related conditions. Advanced modeling of protein sequence and biophysical properties (such as structural, functional, and spatial information, amino acid conservation, physicochemical variation, residue mobility, and thermodynamic stability) has been performed at Invitae for this missense variant, however the output from this modeling did not meet the statistical confidence thresholds required to predict the impact of this variant on MME protein function. In summary, the available evidence is currently insufficient to determine the role of this variant in disease. Therefore, it has been classified as a Variant of Uncertain Significance.

NM_007289.4(MME):c.572T>G (p.Leu191Arg)

Gene: MME (membrane metalloendopeptidase; plus strand). Cytogenetic location: 3q25.2.
Variant type: single nucleotide variant.
Coding change: c.572T>G on transcript NM_007289.4 (MANE Select); coding-DNA position 572, T replaced by G.
Protein change: p.Leu191Arg; replaces leucine 191 with arginine.
Molecular consequence: missense variant.
Genome position (GRCh38, 1-based): chr3:155,116,904, T>G. VCF-style: chr3-155116904-T-G. GRCh37 (hg19) VCF-style: chr3-154834693-T-G.
Other names: c.572T>G, p.Leu191Arg (NM_000902.5, NM_001354642.2, NM_001354643.1 and 2 more transcripts); short protein forms L191R.
Identifiers: ClinVar variation 3614642 (VCV003614642.2).